The following is an entry in ClinVar:

ClinVar aggregate classification (germline): Uncertain significance. Review status: criteria provided, multiple submitters, no conflicts (2 of 4 stars). 3 submissions from 3 submitters: Uncertain significance (3). Last evaluated 2025-06-30.

Conditions:
Cardiovascular phenotype. Identifiers: MedGen CN230736.
Brugada syndrome 5 (BRGDA5). Identifiers: Orphanet 130, Orphanet 871, MedGen C2748541, MONDO:0013015, OMIM 612838.

gnomAD v4.1: 2 of 1,614,176 alleles (0.00012%); highest among the groups gnomAD compares: Non-Finnish European, 0.00017%; no homozygotes.

Submissions (3):

Ambry Genetics
Classification: Uncertain significance for Cardiovascular phenotype. Last evaluated: 2025-06-30. Review status: criteria provided, single submitter. Criteria: Ambry Variant Classification Scheme 2023. Collection method: clinical testing. Allele origin: germline.

GeneDx
Classification: Uncertain significance. Last evaluated: 2022-03-15. Review status: criteria provided, single submitter. Criteria: GeneDx Variant Classification Process June 2021. Collection method: clinical testing. Allele origin: germline. Affected: yes.
Comment: Not observed at a significant frequency in large population cohorts (gnomAD); In silico analysis supports that this missense variant does not alter protein structure/function; Has not been previously published as pathogenic or benign to our knowledge

Labcorp Genetics (formerly Invitae), Labcorp
Classification: Uncertain significance for Brugada syndrome 5. Last evaluated: 2022-03-13. Review status: criteria provided, single submitter. Criteria: Invitae Variant Classification Sherloc (09022015). Collection method: clinical testing. Allele origin: germline.
Comment: In summary, the available evidence is currently insufficient to determine the role of this variant in disease. Therefore, it has been classified as a Variant of Uncertain Significance. Experimental studies and prediction algorithms are not available or were not evaluated, and the functional significance of this variant is currently unknown. This variant has not been reported in the literature in individuals affected with SCN1B-related conditions. This variant is present in population databases (no rsID available, gnomAD 0.0009%). This sequence change replaces leucine, which is neutral and non-polar, with valine, which is neutral and non-polar, at codon 170 of the SCN1B protein (p.Leu170Val). The SCN1B gene has multiple clinically relevant transcripts. This variant occurs in alternate transcript NM_001037.4, and corresponds to NM_199037.3:c.*5078T>G in the primary transcript.

NM_001037.5(SCN1B):c.508T>G (p.Leu170Val)

Gene: SCN1B (sodium voltage-gated channel beta subunit 1; plus strand). Cytogenetic location: 19q13.11.
Variant type: single nucleotide variant.
Coding change: c.508T>G on transcript NM_001037.5 (MANE Select); coding-DNA position 508, T replaced by G.
Protein change: p.Leu170Val; replaces leucine 170 with valine.
Molecular consequence: missense variant.
Genome position (GRCh38, 1-based): chr19:35,039,176, T>G. VCF-style: chr19-35039176-T-G. GRCh37 (hg19) VCF-style: chr19-35530080-T-G.
Other names: c.409T>G, p.Leu137Val (NM_001321605.2); short protein forms L170V, L137V.
Identifiers: ClinVar variation 449209 (VCV000449209.13), dbSNP rs748491132, ClinGen allele CA307707879.